The following is an entry in ClinVar:

NM_005787.6(ALG3):c.1242C>T (p.Ala414=)

Gene: ALG3 (ALG3 alpha-1,3- mannosyltransferase; minus strand). Cytogenetic location: 3q27.1.
Variant type: single nucleotide variant.
Coding change: c.1242C>T on transcript NM_005787.6 (MANE Select); coding-DNA position 1242, C replaced by T.
Protein change: p.Ala414=; no amino-acid change (alanine 414 retained).
Molecular consequence: synonymous variant. On other transcripts: non-coding transcript variant (2).
Genome position (GRCh38, 1-based): chr3:184,242,589, G>A on the plus strand (C>T on the coding strand, the complement: ALG3 is on the minus strand). VCF-style: chr3-184242589-G-A. GRCh37 (hg19) VCF-style: chr3-183960377-G-A.
Other names: c.1098C>T, p.Ala366= (NM_001006941.2); c.1137C>T, p.Ala379= (NM_001006942.1); c.1242C>T (NM_005787.5).
Identifiers: ClinVar variation 2741581 (VCV002741581.5), dbSNP rs573414976, ClinGen allele CA2729273.
Genomic context (GRCh38, chr3:184,242,589, plus strand): 5'-GCTGTGTTGGGTGCTCTTGGGGAAAGGCTGCGGGCCCAGCCAGAGCTGCAGCAGGATGAC[G>A]GCATGGCATATGTGCAGGGCAGCAGAGCTGCAGGATGTGGAAGGGTATGTGTTCCAGGAG-3'
Protein context (NP_005778.1, residues 404-424): CSSAALHICH[Ala414=]VILLQLWLGP

ClinVar aggregate classification (germline): Likely benign. Review status: criteria provided, single submitter (1 of 4 stars). 2 submissions from 2 submitters: Likely benign (1). 1 of the submissions does not count toward it. Last evaluated 2023-07-12.

Conditions:
ALG3-related disorder. Also called: ALG3-related condition.
ALG3-congenital disorder of glycosylation. Also called: CARBOHYDRATE-DEFICIENT GLYCOPROTEIN SYNDROME, TYPE IV; CDGS, TYPE IV; ALG3-CDG; CONGENITAL DISORDER OF GLYCOSYLATION, TYPE Id; CDG Id. Identifiers: Orphanet 79321, MedGen C1832736, MONDO:0010998, OMIM 601110.

Allele frequency attached by ClinVar (database versions not stated): TOPMed 0.00006; gnomAD 0.00012; ExAC 0.00015; gnomAD exomes 0.00019.
gnomAD v4.1: 283 of 1,604,308 alleles (0.018%); highest among the groups gnomAD compares: East Asian, 0.04%; 1 homozygote.

Submissions (2):

Labcorp Genetics (formerly Invitae), Labcorp
Classification: Likely benign for ALG3-congenital disorder of glycosylation. Last evaluated: 2023-07-12. Review status: criteria provided, single submitter. Criteria: Invitae Variant Classification Sherloc (09022015). Collection method: clinical testing. Allele origin: germline.

PreventionGenetics, part of Exact Sciences
Classification: Likely benign for ALG3-related condition. Last evaluated: 2020-01-02. Review status: no assertion criteria provided. Collection method: clinical testing. Allele origin: germline. Not counted in ClinVar's aggregate classification.
Comment: This variant is classified as likely benign based on ACMG/AMP sequence variant interpretation guidelines (Richards et al. 2015 PMID: 25741868, with internal and published modifications).